The following is an entry in ClinVar:

ClinVar aggregate classification (germline): Uncertain significance (1 of 4 stars; one submission).

Submission:

GeneDx
Classification: Uncertain significance. Last evaluated: 2024-12-09. Review status: criteria provided, single submitter. Criteria: GeneDx Variant Classification Process June 2021. Collection method: clinical testing. Allele origin: germline. Affected: yes.
Comment: Not observed at significant frequency in large population cohorts (gnomAD); In silico analysis supports that this missense variant has a deleterious effect on protein structure/function; Has not been previously published as pathogenic or benign to our knowledge

NM_001197104.2(KMT2A):c.3955G>T (p.Val1319Phe)

Gene: KMT2A (lysine methyltransferase 2A; plus strand). Cytogenetic location: 11q23.3.
Variant type: single nucleotide variant.
Coding change: c.3955G>T on transcript NM_001197104.2 (MANE Select); coding-DNA position 3955, G replaced by T.
Protein change: p.Val1319Phe; replaces valine 1319 with phenylalanine.
Molecular consequence: missense variant.
Genome position (GRCh38, 1-based): chr11:118,482,035, G>T. VCF-style: chr11-118482035-G-T. GRCh37 (hg19) VCF-style: chr11-118352750-G-T.
Other names: c.4054G>T, p.Val1352Phe (NM_001412597.1); c.3955G>T, p.Val1319Phe (NM_005933.4); short protein forms V1319F, V1352F.
Identifiers: ClinVar variation 3901414 (VCV003901414.1).